The following is an entry in ClinVar:

NM_000256.3(MYBPC3):c.2245T>C (p.Tyr749His)

Gene: MYBPC3 (myosin binding protein C3; minus strand). Cytogenetic location: 11p11.2.
Variant type: single nucleotide variant.
Coding change: c.2245T>C on transcript NM_000256.3 (MANE Select); coding-DNA position 2245, T replaced by C.
Protein change: p.Tyr749His; replaces tyrosine 749 with histidine.
Molecular consequence: missense variant.
Genome position (GRCh38, 1-based): chr11:47,338,583, A>G on the plus strand (T>C on the coding strand, the complement: MYBPC3 is on the minus strand). VCF-style: chr11-47338583-A-G. GRCh37 (hg19) VCF-style: chr11-47360134-A-G.
Other names: short protein forms Y749H.
Identifiers: ClinVar variation 4282328 (VCV004282328.1).

ClinVar aggregate classification (germline): Uncertain significance (1 of 4 stars; one submission).

Submission:

GeneDx
Classification: Uncertain significance. Last evaluated: 2025-04-20. Review status: criteria provided, single submitter. Criteria: GeneDx Variant Classification Process June 2021. Collection method: clinical testing. Allele origin: germline. Affected: yes.
Comment: Not observed at significant frequency in large population cohorts (gnomAD); In silico analysis supports that this missense variant has a deleterious effect on protein structure/function; Has not been previously published as pathogenic or benign to our knowledge